The following is an entry in ClinVar:

NM_003848.4(SUCLG2):c.880C>G (p.Leu294Val)

Gene: SUCLG2 (succinate-CoA ligase GDP-forming subunit beta; minus strand). Cytogenetic location: 3p14.1.
Variant type: single nucleotide variant.
Coding change: c.880C>G on transcript NM_003848.4 (MANE Select); coding-DNA position 880, C replaced by G.
Protein change: p.Leu294Val; replaces leucine 294 with valine.
Molecular consequence: missense variant.
Genome position (GRCh38, 1-based): chr3:67,498,173, G>C on the plus strand (C>G on the coding strand, the complement: SUCLG2 is on the minus strand). VCF-style: chr3-67498173-G-C. GRCh37 (hg19) VCF-style: chr3-67548597-G-C.
Other names: c.880C>G, p.Leu294Val (NM_001177599.2); short protein forms L294V.
Identifiers: ClinVar variation 4743094 (VCV004743094.1).

ClinVar aggregate classification (germline): Uncertain significance (1 of 4 stars; one submission).

gnomAD v4.1: 2 of 1,613,174 alleles (0.00012%); highest among the groups gnomAD compares: Non-Finnish European, 0.00017%; no homozygotes.

Submission:

Labcorp Genetics (formerly Invitae), Labcorp
Classification: Uncertain significance. Last evaluated: 2025-03-09. Review status: criteria provided, single submitter. Criteria: Invitae Variant Classification Sherloc (09022015). Collection method: clinical testing. Allele origin: germline.
Comment: This sequence change replaces leucine, which is neutral and non-polar, with valine, which is neutral and non-polar, at codon 294 of the SUCLG2 protein (p.Leu294Val). This variant is present in population databases (no rsID available, gnomAD 0.0009%). This variant has not been reported in the literature in individuals affected with SUCLG2-related conditions. An algorithm developed to predict the effect of missense changes on protein structure and function (PolyPhen-2) suggests that this variant is likely to be disruptive. In summary, the available evidence is currently insufficient to determine the role of this variant in disease. Therefore, it has been classified as a Variant of Uncertain Significance.